The following is an entry in ClinVar:

NM_152594.3(SPRED1):c.32+20491C>T

Gene: SPRED1 (sprouty related EVH1 domain containing 1; plus strand). Cytogenetic location: 15q14.
Variant type: single nucleotide variant.
Coding change: c.32+20491C>T on transcript NM_152594.3 (MANE Select); 20491 bases into the intron after coding-DNA position 32, C replaced by T.
Molecular consequence: intron variant.
Genome position (GRCh38, 1-based): chr15:38,273,708, C>T. VCF-style: chr15-38273708-C-T. GRCh37 (hg19) VCF-style: chr15-38565909-C-T.
Identifiers: ClinVar variation 3765659 (VCV003765659.1).

ClinVar aggregate classification (germline): Uncertain significance (1 of 4 stars; one submission).

gnomAD v4.1: 1 of 151,886 alleles (0.00066%); highest among the groups gnomAD compares: Non-Finnish European, 0.0015%; no homozygotes.

Submission:

Greenwood Genetic Center Diagnostic Laboratories, Greenwood Genetic Center
Classification: Uncertain significance. Last evaluated: 2024-09-23. Review status: criteria provided, single submitter. Criteria: ACMG Guidelines, 2015. Collection method: clinical testing. Allele origin: germline. Affected: yes.
Comment: PM2, BP4